The following is an entry in ClinVar:

NM_000057.4(BLM):c.2261C>G (p.Ser754Ter)

Gene: BLM (BLM RecQ like helicase; plus strand). Cytogenetic location: 15q26.1.
Variant type: single nucleotide variant.
Coding change: c.2261C>G on transcript NM_000057.4 (MANE Select); coding-DNA position 2261, C replaced by G.
Protein change: p.Ser754Ter; replaces serine 754 with a stop codon.
Molecular consequence: nonsense.
Genome position (GRCh38, 1-based): chr15:90,766,977, C>G. VCF-style: chr15-90766977-C-G. GRCh37 (hg19) VCF-style: chr15-91310207-C-G.
Other names: c.2261C>G, p.Ser754Ter (NM_001287246.2, NM_001287247.2); c.1136C>G, p.Ser379Ter (NM_001287248.2); short protein forms S754*, S379*.
Identifiers: ClinVar variation 1788637 (VCV001788637.2), dbSNP rs2505447254, ClinGen allele CA393844909.

ClinVar aggregate classification (germline): Pathogenic (1 of 4 stars; one submission).

Conditions:
Hereditary cancer-predisposing syndrome. Also called: Hereditary Cancer Syndrome; Hereditary neoplastic syndrome; Tumor predisposition; Neoplastic Syndromes, Hereditary. Identifiers: Orphanet 140162, MedGen C0027672, MeSH D009386, MONDO:0015356.

Submission:

Ambry Genetics
Classification: Pathogenic for Hereditary cancer-predisposing syndrome. Last evaluated: 2021-03-31. Review status: criteria provided, single submitter. Criteria: Ambry Variant Classification Scheme 2023. Collection method: clinical testing. Allele origin: germline.
Comment: The p.S754* pathogenic mutation (also known as c.2261C>G), located in coding exon 9 of the BLM gene, results from a C to G substitution at nucleotide position 2261. This changes the amino acid from a serine to a stop codon within coding exon 9. This alteration is expected to result in loss of function by premature protein truncation or nonsense-mediated mRNA decay. As such, this alteration is interpreted as a disease-causing mutation.